The following is an entry in ClinVar:

NM_001267550.2(TTN):c.38386G>C (p.Glu12796Gln)

Gene: TTN (titin; minus strand). Cytogenetic location: 2q31.2.
Variant type: single nucleotide variant.
Coding change: c.38386G>C on transcript NM_001267550.2 (MANE Select); coding-DNA position 38386, G replaced by C.
Protein change: p.Glu12796Gln; replaces glutamic acid 12796 with glutamine.
Molecular consequence: missense variant. On other transcripts: intron variant (5).
Genome position (GRCh38, 1-based): chr2:178,654,090, C>G on the plus strand (G>C on the coding strand, the complement: TTN is on the minus strand). VCF-style: chr2-178654090-C-G. GRCh37 (hg19) VCF-style: chr2-179518817-C-G.
Other names: c.13283-11773G>C (NM_003319.4); c.13859-11773G>C (NM_133437.4); c.13658-11773G>C (NM_133432.3); c.31742-1549G>C (NM_133378.4); c.34523-1549G>C (NM_001256850.1); short protein forms E12796Q.
Identifiers: ClinVar variation 805713 (VCV000805713.5), dbSNP rs577399087, ClinGen allele CA1997133.

ClinVar aggregate classification (germline): Conflicting classifications of pathogenicity. Review status: criteria provided, conflicting classifications (1 of 4 stars). 4 submissions from 4 submitters: Uncertain significance (1); Likely benign (3). Last evaluated 2026-03-21.

Conditions:
Autosomal recessive limb-girdle muscular dystrophy type 2J (LGMDR10). Also called: Limb-girdle muscular dystrophy, type 2J; MUSCULAR DYSTROPHY, LIMB-GIRDLE, AUTOSOMAL RECESSIVE 10. Identifiers: Orphanet 140922, MedGen C1837342, MONDO:0012127, OMIM 608807.
Dilated cardiomyopathy 1G (CMD1G). Identifiers: Orphanet 154, MedGen C1858763, MONDO:0011400, OMIM 604145.
TTN-related disorder. Also called: TTN-related disorders; TTN-related condition; TTN-related disease.

Allele frequency attached by ClinVar (database versions not stated): gnomAD exomes 0.00004 and 0.00005; ExAC 0.00010; gnomAD 0.00029; TOPMed 0.00038; 1000 Genomes Project 30x 0.00062; 1000 Genomes Project 0.00080.
gnomAD v4.1: 96 of 1,592,626 alleles (0.006%); highest among the groups gnomAD compares: African/African-American, 0.12%; no homozygotes.

Submissions (4):

PreventionGenetics, part of Exact Sciences
Classification: Uncertain significance for TTN-related condition. Last evaluated: 2026-03-21. Review status: criteria provided, single submitter. Criteria: ACMG Guidelines, 2015. Collection method: clinical testing. Allele origin: germline.
Comment: The TTN c.38386G>C variant is predicted to result in the amino acid substitution p.Glu12796Gln. To our knowledge, this variant has not been reported in the literature. This variant is reported in 0.088% of alleles in individuals of African descent in gnomAD. Although we suspect that this variant may be benign, at this time, the clinical significance of this variant is uncertain due to the absence of conclusive functional and genetic evidence.

Molecular Diagnostic Laboratory for Inherited Cardiovascular Disease, Montreal Heart Institute
Classification: Likely benign. Last evaluated: 2025-04-09. Review status: criteria provided, single submitter. Criteria: ACMG Guidelines, 2015. Collection method: clinical testing. Allele origin: germline. Affected: no.

Labcorp Genetics (formerly Invitae), Labcorp
Classification: Likely benign for Dilated cardiomyopathy 1G; Autosomal recessive limb-girdle muscular dystrophy type 2J. Last evaluated: 2024-06-03. Review status: criteria provided, single submitter. Criteria: Invitae Variant Classification Sherloc (09022015). Collection method: clinical testing. Allele origin: germline.

Athena Diagnostics
Classification: Likely benign. Last evaluated: 2018-11-14. Review status: criteria provided, single submitter. Criteria: Athena Diagnostics Criteria. Collection method: clinical testing. Allele origin: germline.